The following is an entry in ClinVar:

NM_001854.4(COL11A1):c.1406G>T (p.Gly469Val)

Gene: COL11A1 (collagen type XI alpha 1 chain; minus strand). Cytogenetic location: 1p21.1.
Variant type: single nucleotide variant.
Coding change: c.1406G>T on transcript NM_001854.4 (MANE Select); coding-DNA position 1406, G replaced by T.
Protein change: p.Gly469Val; replaces glycine 469 with valine.
Molecular consequence: missense variant. On other transcripts: non-coding transcript variant (1).
Genome position (GRCh38, 1-based): chr1:103,017,827, C>A on the plus strand (G>T on the coding strand, the complement: COL11A1 is on the minus strand). VCF-style: chr1-103017827-C-A. GRCh37 (hg19) VCF-style: chr1-103483383-C-A.
Other names: c.1058G>T, p.Gly353Val (NM_001168249.1, NM_080630.4); c.1289G>T, p.Gly430Val (NM_001190709.2); c.1442G>T, p.Gly481Val (NM_080629.3); short protein forms G353V, G430V, G469V, G481V.
Identifiers: ClinVar variation 3233956 (VCV003233956.2), dbSNP rs2525523648, ClinGen allele CA341179621.
Genomic context (GRCh38, chr1:103,017,827, plus strand): 5'-TTTAAGTCTGTATGACATGCATTTGTAATGAGATATCATGTCCATTCACTTACCCTATCG[C>A]CAGGGTCACCAGGGGGTCCAGTGGGGCCTTGTAGACCTGGAGGACCCATAATACCCTATA-3'
Protein context (NP_001845.3, residues 459-479): QGPTGPPGDP[Gly469Val]DRGPPGRPGL

ClinVar aggregate classification (germline): Uncertain significance (1 of 4 stars; one submission).

Submission:

Women's Health and Genetics/Laboratory Corporation of America, LabCorp
Classification: Uncertain significance. Last evaluated: 2024-03-14. Review status: criteria provided, single submitter. Criteria: LabCorp Variant Classification Summary - May 2015. Collection method: clinical testing. Allele origin: germline.
Comment: Variant summary: COL11A1 c.1406G>T (p.Gly469Val) results in a non-conservative amino acid change in the encoded protein sequence. Five of five in-silico tools predict a damaging effect of the variant on protein function. The variant was absent in 251316 control chromosomes. The available data on variant occurrences in the general population are insufficient to allow any conclusion about variant significance. To our knowledge, no occurrence of c.1406G>T in individuals affected with Stickler Syndrome and no experimental evidence demonstrating its impact on protein function have been reported. No submitters have cited clinical-significance assessments for this variant to ClinVar. Based on the evidence outlined above, the variant was classified as uncertain significance.